The following is an entry in ClinVar:

ClinVar aggregate classification (germline): Benign/Likely benign. Review status: criteria provided, multiple submitters, no conflicts (2 of 4 stars). 3 submissions from 3 submitters: Benign (1); Likely benign (2). Last evaluated 2025-05-25.

Conditions:
Hereditary cancer-predisposing syndrome. Also called: Hereditary neoplastic syndrome; Hereditary Cancer Syndrome; Tumor predisposition; Neoplastic Syndromes, Hereditary. Identifiers: Orphanet 140162, MedGen C0027672, MeSH D009386, MONDO:0015356.
Familial adenomatous polyposis 1 (FAP1). Also called: FAMILIAL ADENOMATOUS POLYPOSIS 1, ATTENUATED; POLYPOSIS, ADENOMATOUS INTESTINAL. Identifiers: MedGen C2713442, MONDO:0021056, OMIM 175100. Disease mechanism: loss of function.

Submissions (3):

Ambry Genetics
Classification: Likely benign for Hereditary cancer-predisposing syndrome. Last evaluated: 2025-05-25. Review status: criteria provided, single submitter. Criteria: Ambry Variant Classification Scheme 2023. Collection method: clinical testing. Allele origin: germline.

Myriad Genetics, Inc.
Classification: Benign for Familial adenomatous polyposis 1. Last evaluated: 2024-02-22. Review status: criteria provided, single submitter. Criteria: Myriad Autosomal Dominant, Autosomal Recessive and X-Linked Classification Criteria (2023). Collection method: clinical testing. Allele origin: unknown.
Comment: This variant is considered benign. This variant is a silent/synonymous amino acid change and it is not expected to impact splicing.

Labcorp Genetics (formerly Invitae), Labcorp
Classification: Likely benign for Familial adenomatous polyposis 1. Last evaluated: 2021-03-27. Review status: criteria provided, single submitter. Criteria: Invitae Variant Classification Sherloc (09022015). Collection method: clinical testing. Allele origin: germline.

NM_000038.6(APC):c.15A>C (p.Ser5=)

Gene: APC (APC regulator of Wnt signaling pathway; plus strand). Cytogenetic location: 5q22.2.
Variant type: single nucleotide variant.
Coding change: c.15A>C on transcript NM_000038.6 (MANE Select); coding-DNA position 15, A replaced by C.
Protein change: p.Ser5=; no amino-acid change (serine 5 retained).
Molecular consequence: synonymous variant. On other transcripts: 5 prime UTR variant (1), intron variant (8).
Genome position (GRCh38, 1-based): chr5:112,754,905, A>C. VCF-style: chr5-112754905-A-C. GRCh37 (hg19) VCF-style: chr5-112090602-A-C.
Other names: c.15A>C (NM_000038.5); c.15A>C, p.Ser5= (NM_001127510.3, NM_001354895.2, NM_001354896.2 and 2 more transcripts); c.-1021A>C (NM_001354906.2); c.166-11421A>C (NM_001354897.2, NM_001354902.2, NM_001127511.3); c.61-11421A>C (NM_001354898.2, NM_001354904.2); c.-42-11421A>C (NM_001354900.2, NM_001354901.2, NM_001354905.2).
Identifiers: ClinVar variation 1126688 (VCV001126688.12), dbSNP rs1554067106, ClinGen allele CA445752300.